The following is an entry in ClinVar:

NM_177438.3(DICER1):c.2850G>A (p.Val950=)

Gene: DICER1 (dicer 1, ribonuclease III; minus strand). Cytogenetic location: 14q32.13.
Variant type: single nucleotide variant.
Coding change: c.2850G>A on transcript NM_177438.3 (MANE Select); coding-DNA position 2850, G replaced by A.
Protein change: p.Val950=; no amino-acid change (valine 950 retained).
Molecular consequence: synonymous variant.
Genome position (GRCh38, 1-based): chr14:95,106,178, C>T on the plus strand (G>A on the coding strand, the complement: DICER1 is on the minus strand). VCF-style: chr14-95106178-C-T. GRCh37 (hg19) VCF-style: chr14-95572515-C-T.
Other names: c.2850G>A, p.Val950= (NM_001195573.1, NM_001271282.3, NM_001291628.2 and 1 more transcripts).
Identifiers: ClinVar variation 1616284 (VCV001616284.14), dbSNP rs565130300, ClinGen allele CA7331158.
Genomic context (GRCh38, chr14:95,106,178, plus strand): 5'-TTCTGCAAAAGTTTCATACTCAGGGGAAGGAAATTTACTGAGTGGGGTAAGATCAGTGTA[C>T]ACATCAGCTACATAAAATCGATGAGGCTGATCAAAATTGCGATATCTAAAAAAGAAAAAC-3'
Protein context (NP_803187.1, residues 940-960): DQPHRFYVAD[Val950=]YTDLTPLSKF

ClinVar aggregate classification (germline): Benign/Likely benign. Review status: criteria provided, multiple submitters, no conflicts (2 of 4 stars). 4 submissions from 4 submitters: Benign (1); Likely benign (3). Last evaluated 2026-04-16.

Conditions:
DICER1-related tumor predisposition. Also called: DICER1-related pleuropulmonary blastoma cancer predisposition syndrome; DICER1 syndrome. Identifiers: Orphanet 284343, MedGen C3839822, MONDO:0100216.
Hereditary cancer-predisposing syndrome. Also called: Neoplastic Syndromes, Hereditary; Tumor predisposition; Hereditary neoplastic syndrome; Hereditary Cancer Syndrome. Identifiers: Orphanet 140162, MedGen C0027672, MeSH D009386, MONDO:0015356.

Allele frequency attached by ClinVar (database versions not stated): gnomAD 0.00001; 1000 Genomes Project 30x 0.00016; gnomAD exomes below 0.00001; 1000 Genomes Project 0.00020; ExAC 0.00001.
gnomAD v4.1: 5 of 1,614,000 alleles (0.00031%); highest among the groups gnomAD compares: African/African-American, 0.0067%; no homozygotes.

Submissions (4):

Myriad Genetics, Inc.
Classification: Benign for DICER1-related tumor predisposition. Last evaluated: 2026-04-16. Review status: criteria provided, single submitter. Criteria: Myriad Autosomal Dominant, Autosomal Recessive and X-Linked Classification Criteria (2023). Collection method: clinical testing. Allele origin: unknown.
Comment: This variant is considered benign. This variant is a silent/synonymous amino acid change and it is not expected to impact splicing.

Labcorp Genetics (formerly Invitae), Labcorp
Classification: Likely benign for DICER1-related tumor predisposition. Last evaluated: 2025-11-25. Review status: criteria provided, single submitter. Criteria: Invitae Variant Classification Sherloc (09022015). Collection method: clinical testing. Allele origin: germline.

Quest Diagnostics Nichols Institute San Juan Capistrano
Classification: Likely benign. Last evaluated: 2021-08-03. Review status: criteria provided, single submitter. Criteria: Quest Diagnostics criteria. Collection method: clinical testing. Allele origin: unknown.

Ambry Genetics
Classification: Likely benign for Hereditary cancer-predisposing syndrome. Last evaluated: 2020-10-13. Review status: criteria provided, single submitter. Criteria: Ambry Variant Classification Scheme 2023. Collection method: clinical testing. Allele origin: germline.